The following is an entry in ClinVar:

ClinVar aggregate classification (germline): Uncertain significance. Review status: criteria provided, multiple submitters, no conflicts (2 of 4 stars). 2 submissions from 2 submitters: Uncertain significance (2). Last evaluated 2023-11-21.

Allele frequency attached by ClinVar (database versions not stated): gnomAD exomes below 0.00001.
gnomAD v4.1: 2 of 1,613,750 alleles (0.00012%); highest among the groups gnomAD compares: Admixed American, 0.0017%; no homozygotes.

Submissions (2):

Athena Diagnostics
Classification: Uncertain significance. Last evaluated: 2023-11-21. Review status: criteria provided, single submitter. Criteria: Athena Diagnostics Criteria. Collection method: clinical testing. Allele origin: unknown.
Comment: Available data are insufficient to determine the clinical significance of the variant at this time. The frequency of this variant in the general population is uninformative in assessment of its pathogenicity. Computational tools predict that this variant is not damaging.

Labcorp Genetics (formerly Invitae), Labcorp
Classification: Uncertain significance. Last evaluated: 2022-03-04. Review status: criteria provided, single submitter. Criteria: Invitae Variant Classification Sherloc (09022015). Collection method: clinical testing. Allele origin: germline.
Comment: In summary, the available evidence is currently insufficient to determine the role of this variant in disease. Therefore, it has been classified as a Variant of Uncertain Significance. Algorithms developed to predict the effect of missense changes on protein structure and function output the following: SIFT: "Tolerated"; PolyPhen-2: "Benign"; Align-GVGD: "Class C0". The threonine amino acid residue is found in multiple mammalian species, which suggests that this missense change does not adversely affect protein function. This variant has not been reported in the literature in individuals affected with ITPR1-related conditions. This variant is present in population databases (no rsID available, gnomAD 0.003%). This sequence change replaces alanine, which is neutral and non-polar, with threonine, which is neutral and polar, at codon 944 of the ITPR1 protein (p.Ala944Thr).

NM_001378452.1(ITPR1):c.2902G>A (p.Ala968Thr)

Gene: ITPR1 (inositol 1,4,5-trisphosphate receptor type 1; plus strand). Cytogenetic location: 3p26.1.
Variant type: single nucleotide variant.
Coding change: c.2902G>A on transcript NM_001378452.1 (MANE Select); coding-DNA position 2902, G replaced by A.
Protein change: p.Ala968Thr; replaces alanine 968 with threonine.
Molecular consequence: missense variant.
Genome position (GRCh38, 1-based): chr3:4,676,736, G>A. VCF-style: chr3-4676736-G-A. GRCh37 (hg19) VCF-style: chr3-4718420-G-A.
Other names: c.2875G>A, p.Ala959Thr (NM_001099952.4); c.2857G>A, p.Ala953Thr (NM_001168272.2); c.2830G>A, p.Ala944Thr (NM_002222.7); c.2857G>A (NM_001168272.1); short protein forms A953T, A944T, A959T, A968T.
Identifiers: ClinVar variation 2106728 (VCV002106728.5), dbSNP rs1361203651, ClinGen allele CA351649617.
Genomic context (GRCh38, chr3:4,676,736, plus strand): 5'-GGAGGAGGCTTTTTGCCCATGACTCCCATGGCTGCTGCCCCTGAAGGCAATGTGAAGCAG[G>A]CAGAGCCTGAGAAGGAGGACATCATGGTCATGGACACCAAGCTGAAGATCATTGAGATAC-3'
Protein context (NP_001365381.1, residues 958-978): AAAPEGNVKQ[Ala968Thr]EPEKEDIMVM